The following is an entry in ClinVar:

ClinVar aggregate classification (germline): Uncertain significance (1 of 4 stars; one submission).

Conditions:
Chédiak-Higashi syndrome (CHS). Also called: Chediak-Higashi Syndrome. Identifiers: Orphanet 167, MedGen C0007965, MONDO:0008963, OMIM 214500.

Allele frequency attached by ClinVar (database versions not stated): gnomAD exomes below 0.00001.
gnomAD v4.1: 1 of 1,614,128 alleles (0.000062%); highest among the groups gnomAD compares: Non-Finnish European, 0.000085%; no homozygotes.

Submission:

Labcorp Genetics (formerly Invitae), Labcorp
Classification: Uncertain significance for Chédiak-Higashi syndrome. Last evaluated: 2021-08-28. Review status: criteria provided, single submitter. Criteria: Invitae Variant Classification Sherloc (09022015). Collection method: clinical testing. Allele origin: germline.
Comment: This sequence change replaces lysine with arginine at codon 3369 of the LYST protein (p.Lys3369Arg). The lysine residue is moderately conserved and there is a small physicochemical difference between lysine and arginine. This variant is not present in population databases (ExAC no frequency). This variant has not been reported in the literature in individuals affected with LYST-related conditions. Algorithms developed to predict the effect of missense changes on protein structure and function (SIFT, PolyPhen-2, Align-GVGD) all suggest that this variant is likely to be tolerated. In summary, the available evidence is currently insufficient to determine the role of this variant in disease. Therefore, it has been classified as a Variant of Uncertain Significance.

NM_000081.4(LYST):c.10106A>G (p.Lys3369Arg)

Genes: LYST (lysosomal trafficking regulator; minus strand), LOC126806063 (MED14-independent group 3 enhancer GRCh37_chr1:235871544-235872743; plus strand). Cytogenetic location: 1q42.3.
Variant type: single nucleotide variant.
Coding change: c.10106A>G on transcript NM_000081.4 (MANE Select); coding-DNA position 10106, A replaced by G.
Protein change: p.Lys3369Arg; replaces lysine 3369 with arginine.
Molecular consequence: missense variant.
Genome position (GRCh38, 1-based): chr1:235,709,128, T>C on the plus strand (A>G on the coding strand, the complement: LYST is on the minus strand). VCF-style: chr1-235709128-T-C. GRCh37 (hg19) VCF-style: chr1-235872428-T-C.
Other names: c.10106A>G, p.Lys3369Arg (NM_001301365.1); short protein forms K3369R.
Identifiers: ClinVar variation 1461705 (VCV001461705.6), dbSNP rs2527363296, ClinGen allele CA344934558.